The following is an entry in ClinVar:

ClinVar aggregate classification (germline): Benign/Likely benign. Review status: criteria provided, multiple submitters, no conflicts (2 of 4 stars). 5 submissions from 5 submitters: Benign (1); Likely benign (4). Last evaluated 2026-01-25.

Conditions:
Hereditary cancer-predisposing syndrome. Also called: Neoplastic Syndromes, Hereditary; Hereditary neoplastic syndrome; Tumor predisposition; Hereditary Cancer Syndrome. Identifiers: Orphanet 140162, MedGen C0027672, MeSH D009386, MONDO:0015356.
Oligodontia-cancer predisposition syndrome. Also called: TOOTH AGENESIS-COLORECTAL CANCER SYNDROME. Identifiers: Orphanet 300576, MedGen C1837750, MONDO:0012075, OMIM 608615. Disease mechanism: loss of function.

Allele frequency attached by ClinVar (database versions not stated): gnomAD 0.00001 and 0.00002; ExAC 0.00002; gnomAD exomes 0.00002; TOPMed 0.00002.
gnomAD v4.1: 37 of 1,614,192 alleles (0.0023%); highest among the groups gnomAD compares: East Asian, 0.053%; no homozygotes.

Submissions (5):

Labcorp Genetics (formerly Invitae), Labcorp
Classification: Likely benign for Oligodontia-cancer predisposition syndrome. Last evaluated: 2026-01-25. Review status: criteria provided, single submitter. Criteria: Invitae Variant Classification Sherloc (09022015). Collection method: clinical testing. Allele origin: germline.

Quest Diagnostics Nichols Institute San Juan Capistrano
Classification: Likely benign. Last evaluated: 2025-01-14. Review status: criteria provided, single submitter. Criteria: Quest Diagnostics criteria. Collection method: clinical testing. Allele origin: unknown.

Myriad Genetics, Inc.
Classification: Benign for Oligodontia-cancer predisposition syndrome. Last evaluated: 2024-06-26. Review status: criteria provided, single submitter. Criteria: Myriad Autosomal Dominant, Autosomal Recessive and X-Linked Classification Criteria (2023). Collection method: clinical testing. Allele origin: unknown.
Comment: This variant is considered benign. This variant is a silent/synonymous amino acid change and it is not expected to impact splicing.

Ambry Genetics
Classification: Likely benign for Hereditary cancer-predisposing syndrome. Last evaluated: 2019-10-22. Review status: criteria provided, single submitter. Criteria: Ambry Variant Classification Scheme 2023. Collection method: clinical testing. Allele origin: germline.

GeneDx
Classification: Likely benign. Last evaluated: 2019-08-26. Review status: criteria provided, single submitter. Criteria: GeneDx Variant Classification Process June 2021. Collection method: clinical testing. Allele origin: germline. Affected: yes.

NM_004655.4(AXIN2):c.295C>T (p.Leu99=)

Gene: AXIN2 (axin 2; minus strand). Cytogenetic location: 17q24.1.
Variant type: single nucleotide variant.
Coding change: c.295C>T on transcript NM_004655.4 (MANE Select); coding-DNA position 295, C replaced by T.
Protein change: p.Leu99=; no amino-acid change (leucine 99 retained).
Molecular consequence: synonymous variant.
Genome position (GRCh38, 1-based): chr17:65,558,326, G>A on the plus strand (C>T on the coding strand, the complement: AXIN2 is on the minus strand). VCF-style: chr17-65558326-G-A. GRCh37 (hg19) VCF-style: chr17-63554444-G-A.
Other names: c.295C>T, p.Leu99= (NM_001363813.1); c.295C>T (LRG_296t1).
Identifiers: ClinVar variation 240019 (VCV000240019.19), dbSNP rs761972319, ClinGen allele CA8719070.